The following is an entry in ClinVar:

NM_001111125.3(IQSEC2):c.1171C>A (p.Gln391Lys)

Gene: IQSEC2 (IQ motif and Sec7 domain ArfGEF 2; minus strand). Cytogenetic location: Xp11.22.
Variant type: single nucleotide variant.
Coding change: c.1171C>A on transcript NM_001111125.3 (MANE Select); coding-DNA position 1171, C replaced by A.
Protein change: p.Gln391Lys; replaces glutamine 391 with lysine.
Molecular consequence: missense variant.
Genome position (GRCh38, 1-based): chrX:53,254,760, G>T on the plus strand (C>A on the coding strand, the complement: IQSEC2 is on the minus strand). VCF-style: chrX-53254760-G-T. GRCh37 (hg19) VCF-style: chrX-53283942-G-T.
Other names: c.556C>A, p.Gln186Lys (NM_015075.2); short protein forms Q186K, Q391K.
Identifiers: ClinVar variation 1000860 (VCV001000860.9), dbSNP rs2074441863, ClinGen allele CA413169772.

ClinVar aggregate classification (germline): Uncertain significance (1 of 4 stars; one submission).

Conditions:
Intellectual developmental disorder, X-linked 1. Also called: Atkin Flaitz Patil Smith syndrome; Intellectual disability, X-linked 1; MENTAL RETARDATION, X-LINKED 18; MENTAL RETARDATION, X-LINKED 78. Identifiers: Orphanet 777, MedGen C2931498, MONDO:0010656, OMIM 309530.

Allele frequency attached by ClinVar (database versions not stated): gnomAD exomes below 0.00001.
gnomAD v4.1: 2 of 1,204,974 alleles (0.00017%); highest among the groups gnomAD compares: Non-Finnish European, 0.00022%; no homozygotes.

Submission:

Labcorp Genetics (formerly Invitae), Labcorp
Classification: Uncertain significance for Intellectual developmental disorder, X-linked 1. Last evaluated: 2020-08-06. Review status: criteria provided, single submitter. Criteria: Invitae Variant Classification Sherloc (09022015). Collection method: clinical testing. Allele origin: germline.
Comment: This sequence change replaces glutamine with lysine at codon 391 of the IQSEC2 protein (p.Gln391Lys). The glutamine residue is moderately conserved and there is a small physicochemical difference between glutamine and lysine. This variant is not present in population databases (ExAC no frequency). This variant has been observed in individual(s) with clinical features of IQSEC2-related intellectual disability (Invitae). Algorithms developed to predict the effect of missense changes on protein structure and function are either unavailable or do not agree on the potential impact of this missense change (SIFT: "Tolerated"; PolyPhen-2: "Possibly Damaging"; Align-GVGD: "Class C0"). In summary, the available evidence is currently insufficient to determine the role of this variant in disease. Therefore, it has been classified as a Variant of Uncertain Significance.